The following is an entry in ClinVar:

NM_014806.5(RUSC2):c.3558G>A (p.Arg1186=)

Gene: RUSC2 (RUN and SH3 domain containing 2; plus strand). Cytogenetic location: 9p13.3.
Variant type: single nucleotide variant.
Coding change: c.3558G>A on transcript NM_014806.5 (MANE Select); coding-DNA position 3558, G replaced by A.
Protein change: p.Arg1186=; no amino-acid change (arginine 1186 retained).
Molecular consequence: synonymous variant. On other transcripts: non-coding transcript variant (1).
Genome position (GRCh38, 1-based): chr9:35,560,198, G>A. VCF-style: chr9-35560198-G-A. GRCh37 (hg19) VCF-style: chr9-35560195-G-A.
Other names: c.3558G>A, p.Arg1186= (NM_001135999.2); c.924G>A, p.Arg308= (NM_001330740.2).
Identifiers: ClinVar variation 1627287 (VCV001627287.13), dbSNP rs371767593, ClinGen allele CA5044187.

ClinVar aggregate classification (germline): Likely benign. Review status: criteria provided, multiple submitters, no conflicts (2 of 4 stars). 3 submissions from 3 submitters: Likely benign (3). Last evaluated 2026-02-01.

Allele frequency attached by ClinVar (database versions not stated): gnomAD exomes below 0.00001 and 0.00001; ExAC 0.00001; gnomAD 0.00002; TOPMed 0.00002; ESP Exome Variant Server 0.00008.
gnomAD v4.1: 6 of 1,605,244 alleles (0.00037%); highest among the groups gnomAD compares: Admixed American, 0.0067%; no homozygotes.

Submissions (3):

CeGaT Center for Human Genetics Tuebingen
Classification: Likely benign. Last evaluated: 2026-02-01. Review status: criteria provided, single submitter. Criteria: CeGaT Center For Human Genetics Tuebingen Variant Classification Criteria Version 2. Collection method: clinical testing. Allele origin: germline. Affected: yes. Observed: 1 variant allele.
Comment: RUSC2: BP4, BP7

Labcorp Genetics (formerly Invitae), Labcorp
Classification: Likely benign. Last evaluated: 2025-10-29. Review status: criteria provided, single submitter. Criteria: Invitae Variant Classification Sherloc (09022015). Collection method: clinical testing. Allele origin: germline.

Blueprint Genetics
Classification: Likely benign. Last evaluated: 2024-09-11. Review status: criteria provided, single submitter. Criteria: ACMG Guidelines, 2015. Collection method: clinical testing. Allele origin: germline.